The following is an entry in ClinVar:

ClinVar aggregate classification (germline): Uncertain significance (1 of 4 stars; one submission).

Conditions:
Catecholaminergic polymorphic ventricular tachycardia 1. Also called: VENTRICULAR TACHYCARDIA, CATECHOLAMINERGIC POLYMORPHIC, 1, WITH OR WITHOUT ATRIAL DYSFUNCTION AND/OR DILATED CARDIOMYOPATHY; RYR2-Related Catecholaminergic Polymorphic Ventricular Tachycardia; VENTRICULAR TACHYCARDIA, STRESS-INDUCED POLYMORPHIC 1. Identifiers: Orphanet 3286, MedGen C1631597, MONDO:0011484, OMIM 604772.

Allele frequency attached by ClinVar (database versions not stated): TOPMed 0.00001; 1000 Genomes Project 30x 0.00016.
gnomAD v4.1: 5 of 1,488,968 alleles (0.00034%); highest among the groups gnomAD compares: Admixed American, 0.0022%; no homozygotes.

Submission:

Labcorp Genetics (formerly Invitae), Labcorp
Classification: Uncertain significance for Catecholaminergic polymorphic ventricular tachycardia 1. Last evaluated: 2025-04-10. Review status: criteria provided, single submitter. Criteria: Invitae Variant Classification Sherloc (09022015). Collection method: clinical testing. Allele origin: germline.
Comment: This sequence change replaces alanine, which is neutral and non-polar, with threonine, which is neutral and polar, at codon 184 of the TRDN protein (p.Ala184Thr). The frequency data for this variant in the population databases is considered unreliable, as metrics indicate poor data quality at this position in the gnomAD database. This variant has not been reported in the literature in individuals affected with TRDN-related conditions. ClinVar contains an entry for this variant (Variation ID: 408728). Experimental studies and prediction algorithms are not available or were not evaluated, and the functional significance of this variant is currently unknown. Algorithms developed to predict the effect of sequence changes on RNA splicing suggest that this variant may disrupt the consensus splice site. In summary, the available evidence is currently insufficient to determine the role of this variant in disease. Therefore, it has been classified as a Variant of Uncertain Significance.

NM_006073.4(TRDN):c.550G>A (p.Ala184Thr)

Gene: TRDN (triadin; minus strand). Cytogenetic location: 6q22.31.
Variant type: single nucleotide variant.
Coding change: c.550G>A on transcript NM_006073.4 (MANE Select); coding-DNA position 550, G replaced by A.
Protein change: p.Ala184Thr; replaces alanine 184 with threonine.
Molecular consequence: missense variant.
Genome position (GRCh38, 1-based): chr6:123,516,141, C>T on the plus strand (G>A on the coding strand, the complement: TRDN is on the minus strand). VCF-style: chr6-123516141-C-T. GRCh37 (hg19) VCF-style: chr6-123837286-C-T.
Other names: c.550G>A, p.Ala184Thr (NM_001251987.2, NM_001256020.2, NM_001256021.2); short protein forms A184T.
Identifiers: ClinVar variation 408728 (VCV000408728.10), dbSNP rs576028226, ClinGen allele CA16612010.